The following is an entry in ClinVar:

NM_002294.3(LAMP2):c.181del (p.Tyr61fs)

Gene: LAMP2 (lysosomal associated membrane protein 2; minus strand). Cytogenetic location: Xq24.
Variant type: Deletion.
Coding change: c.181del on transcript NM_002294.3 (MANE Select); coding-DNA position 181, one base deleted (T; older notation c.181delT).
Protein change: p.Tyr61fs; shifts the reading frame from tyrosine 61.
Molecular consequence: frameshift variant.
Genome position (GRCh38, 1-based): chrX:120,456,653, A deleted on the plus strand (T on the coding strand, the reverse complement: LAMP2 is on the minus strand); the first of 2 consecutive A bases (chrX:120,456,653-120,456,654); deleting either gives the same sequence. VCF-style (leftmost placement, unchanged base first): chrX-120456652-TA-T. GRCh37 (hg19) VCF-style: chrX-119590507-TA-T.
Other names: c.181del, p.Tyr61fs (NM_001122606.1, NM_013995.2); short protein forms Y61fs.
Identifiers: ClinVar variation 1220164 (VCV001220164.4), dbSNP rs2147287579, ClinGen allele CA2499226341.

ClinVar aggregate classification (germline): Pathogenic (1 of 4 stars; one submission).

Submission:

GeneDx
Classification: Pathogenic. Last evaluated: 2023-06-14. Review status: criteria provided, single submitter. Criteria: GeneDx Variant Classification Process June 2021. Collection method: clinical testing. Allele origin: germline. Affected: yes.
Comment: Has not been previously published as pathogenic or benign to our knowledge; Not observed at significant frequency in large population cohorts (gnomAD); Frameshift variant predicted to result in protein truncation or nonsense mediated decay in a gene for which loss of function is a known mechanism of disease